The following is an entry in ClinVar:

NM_001130987.2(DYSF):c.3907C>T (p.His1303Tyr)

Gene: DYSF (dysferlin; plus strand). Cytogenetic location: 2p13.2.
Variant type: single nucleotide variant.
Coding change: c.3907C>T on transcript NM_001130987.2 (MANE Select); coding-DNA position 3907, C replaced by T.
Protein change: p.His1303Tyr; replaces histidine 1303 with tyrosine.
Molecular consequence: missense variant.
Genome position (GRCh38, 1-based): chr2:71,601,508, C>T. VCF-style: chr2-71601508-C-T. GRCh37 (hg19) VCF-style: chr2-71828638-C-T.
Other names: c.3856C>T, p.His1286Tyr (NM_001130455.2, NM_001130983.2); c.3811C>T, p.His1271Tyr (NM_001130976.2, NM_001130977.2); c.3853C>T, p.His1285Tyr (NM_001130978.2, NM_003494.4); c.3946C>T, p.His1316Tyr (NM_001130979.2); c.3904C>T, p.His1302Tyr (NM_001130980.2, NM_001130981.2); c.3949C>T, p.His1317Tyr (NM_001130982.2); c.3814C>T, p.His1272Tyr (NM_001130984.2, NM_001130986.2); c.3907C>T, p.His1303Tyr (NM_001130985.2); short protein forms H1285Y, H1303Y, H1316Y, H1272Y, H1271Y, H1286Y, H1302Y, H1317Y.
Identifiers: ClinVar variation 393119 (VCV000393119.20), dbSNP rs202061751, ClinGen allele CA1706778.

ClinVar aggregate classification (germline): Uncertain significance. Review status: criteria provided, multiple submitters, no conflicts (2 of 4 stars). 7 submissions from 7 submitters: Uncertain significance (5). 2 of the submissions do not count toward it. Last evaluated 2025-08-18.

Conditions:
Inborn genetic diseases. Identifiers: MedGen C0950123, MeSH D030342.
Neuromuscular disease caused by qualitative or quantitative defects of dysferlin. Also called: Dysferlinopathy; Qualitative or quantitative defects of dysferlin. Identifiers: Orphanet 207073, MedGen C2931687, MONDO:0016145.
Autosomal recessive limb-girdle muscular dystrophy type 2B (LGMDR2). Also called: Limb-girdle muscular dystrophy, type 2B; MUSCULAR DYSTROPHY, LIMB-GIRDLE, AUTOSOMAL RECESSIVE 2; Limb-Girdle Muscular Dystrophy Type 2B (LGMD2B); MUSCULAR DYSTROPHY, LIMB-GIRDLE, TYPE 3. Identifiers: Orphanet 268, MedGen C1850889, MONDO:0009676, OMIM 253601.
DYSF-related disorder. Also called: DYSF-related condition; DYSF-related disorders.

Allele frequency attached by ClinVar (database versions not stated): gnomAD exomes 0.00001; ExAC 0.00002; gnomAD 0.00008 and 0.00009; TOPMed 0.00030; 1000 Genomes Project 0.00040; 1000 Genomes Project 30x 0.00047.
gnomAD v4.1: 23 of 1,614,220 alleles (0.0014%); highest among the groups gnomAD compares: Admixed American, 0.028%; no homozygotes.

Submissions (7):

Labcorp Genetics (formerly Invitae), Labcorp
Classification: Uncertain significance for Neuromuscular disease caused by qualitative or quantitative defects of dysferlin. Last evaluated: 2025-08-18. Review status: criteria provided, single submitter. Criteria: Invitae Variant Classification Sherloc (09022015). Collection method: clinical testing. Allele origin: germline.
Comment: This sequence change replaces histidine, which is basic and polar, with tyrosine, which is neutral and polar, at codon 1285 of the DYSF protein (p.His1285Tyr). This variant is present in population databases (rs202061751, gnomAD 0.006%). This variant has not been reported in the literature in individuals affected with DYSF-related conditions. ClinVar contains an entry for this variant (Variation ID: 393119). Invitae Evidence Modeling of protein sequence and biophysical properties (such as structural, functional, and spatial information, amino acid conservation, physicochemical variation, residue mobility, and thermodynamic stability) indicates that this missense variant is not expected to disrupt DYSF protein function with a negative predictive value of 95%. In summary, the available evidence is currently insufficient to determine the role of this variant in disease. Therefore, it has been classified as a Variant of Uncertain Significance.

GeneDx
Classification: Uncertain significance. Last evaluated: 2025-02-09. Review status: criteria provided, single submitter. Criteria: GeneDx Variant Classification Process June 2021. Collection method: clinical testing. Allele origin: germline. Affected: yes.
Comment: Not observed at significant frequency in large population cohorts (gnomAD); In silico analysis indicates that this missense variant does not alter protein structure/function; Has not been previously published as pathogenic or benign to our knowledge

Revvity Omics, Revvity
Classification: Uncertain significance. Last evaluated: 2024-01-18. Review status: criteria provided, single submitter. Criteria: ACMG Guidelines, 2015. Collection method: clinical testing. Allele origin: germline.

Ambry Genetics
Classification: Uncertain significance for Inborn genetic diseases. Last evaluated: 2024-01-04. Review status: criteria provided, single submitter. Criteria: Ambry Variant Classification Scheme 2023. Collection method: clinical testing. Allele origin: germline.

Eurofins Ntd Llc (ga)
Classification: Uncertain significance. Last evaluated: 2016-12-29. Review status: criteria provided, single submitter. Criteria: EGL Classification Definitions 2015. Collection method: clinical testing. Allele origin: germline. Observed: 1 variant allele, 1 heterozygote.

PreventionGenetics, part of Exact Sciences
Classification: Uncertain significance for DYSF-related condition. Last evaluated: 2024-03-23. Review status: no assertion criteria provided. Collection method: clinical testing. Allele origin: germline. Not counted in ClinVar's aggregate classification.
Comment: The DYSF c.3853C>T variant is predicted to result in the amino acid substitution p.His1285Tyr. To our knowledge, this variant has not been reported in the literature. This variant is reported in 0.0056% of alleles in individuals of Latino descent in gnomAD. At this time, the clinical significance of this variant is uncertain due to the absence of conclusive functional and genetic evidence.

Natera, Inc.
Classification: Uncertain significance for Limb-girdle muscular dystrophy type 2B. Last evaluated: 2020-09-16. Review status: no assertion criteria provided. Collection method: clinical testing. Allele origin: germline. Not counted in ClinVar's aggregate classification.